The following is an entry in ClinVar:

ClinVar aggregate classification (germline): Conflicting classifications of pathogenicity. Review status: criteria provided, conflicting classifications (1 of 4 stars). 9 submissions from 9 submitters: Uncertain significance (2); Benign (1); Likely benign (3). 3 of the submissions do not count toward it. Last evaluated 2026-06-01.

Conditions:
Hereditary diffuse leukoencephalopathy with spheroids. Also called: LEUKOENCEPHALOPATHY, ADULT-ONSET, WITH AXONAL SPHEROIDS AND PIGMENTED GLIA. Identifiers: Orphanet 313808, MedGen C3711381, MONDO:0030796.
CSF1R-related disorder. Also called: CSF1R-related condition. Identifiers: MedGen CN379780, MONDO:0100632.
Inborn genetic diseases. Identifiers: MedGen C0950123, MeSH D030342.

Allele frequency attached by ClinVar (database versions not stated): ExAC 0.00059; gnomAD 0.00083 and 0.00086; TOPMed 0.00090; ESP Exome Variant Server 0.00146.
gnomAD v4.1: 1,980 of 1,613,700 alleles (0.12%); highest among the groups gnomAD compares: Non-Finnish European, 0.15%; 1 homozygote.

Submissions (9):

CeGaT Center for Human Genetics Tuebingen
Classification: Likely benign. Last evaluated: 2026-06-01. Review status: criteria provided, single submitter. Criteria: CeGaT Center For Human Genetics Tuebingen Variant Classification Criteria Version 2. Collection method: clinical testing. Allele origin: germline. Affected: yes. Observed: 4 variant alleles.
Comment: CSF1R: BP4

Labcorp Genetics (formerly Invitae), Labcorp
Classification: Likely benign. Last evaluated: 2026-01-11. Review status: criteria provided, single submitter. Criteria: Invitae Variant Classification Sherloc (09022015). Collection method: clinical testing. Allele origin: germline.

Blueprint Genetics
Classification: Likely benign. Last evaluated: 2024-11-19. Review status: criteria provided, single submitter. Criteria: ACMG Guidelines, 2015. Collection method: clinical testing. Allele origin: germline.

Mayo Clinic Laboratories, Mayo Clinic
Classification: Uncertain significance. Last evaluated: 2023-03-30. Review status: criteria provided, single submitter. Criteria: ACMG Guidelines, 2015. Collection method: clinical testing. Allele origin: germline. Observed: 2 variant alleles.
Comment: BP4

Ambry Genetics
Classification: Uncertain significance for Inborn genetic diseases. Last evaluated: 2022-08-09. Review status: criteria provided, single submitter. Criteria: Ambry Variant Classification Scheme 2023. Collection method: clinical testing. Allele origin: germline.

Illumina Laboratory Services, Illumina
Classification: Benign for Leukoencephalopathy, diffuse hereditary, with spheroids 1. Last evaluated: 2018-01-13. Review status: criteria provided, single submitter. Criteria: ICSL Variant Classification Criteria 13 December 2019. Collection method: clinical testing. Allele origin: germline.
Comment: This variant was observed in the ICSL laboratory as part of a predisposition screen in an ostensibly healthy population. It had not been previously curated by ICSL or reported in the Human Gene Mutation Database (HGMD: prior to June 1st, 2018), and was therefore a candidate for classification through an automated scoring system. Utilizing variant allele frequency, disease prevalence and penetrance estimates, and inheritance mode, an automated score was calculated to assess if this variant is too frequent to cause the disease. Based on the score and internal cut-off values, a variant classified as benign is not then subjected to further curation. The score for this variant resulted in a classification of benign for this disease.

PreventionGenetics, part of Exact Sciences
Classification: Likely benign for CSF1R-related condition. Last evaluated: 2022-07-07. Review status: no assertion criteria provided. Collection method: clinical testing. Allele origin: germline. Not counted in ClinVar's aggregate classification.
Comment: This variant is classified as likely benign based on ACMG/AMP sequence variant interpretation guidelines (Richards et al. 2015 PMID: 25741868, with internal and published modifications).

Genome Diagnostics Laboratory, Amsterdam University Medical Center
Classification: Likely benign. Review status: no assertion criteria provided. Collection method: clinical testing. Allele origin: germline. Affected: yes. Study: VKGL Data-share Consensus. Not counted in ClinVar's aggregate classification.

Laboratory of Diagnostic Genome Analysis, Leiden University Medical Center (LUMC)
Classification: Likely benign. Review status: no assertion criteria provided. Collection method: clinical testing. Allele origin: germline. Affected: yes. Study: VKGL Data-share Consensus. Not counted in ClinVar's aggregate classification.

NM_001288705.3(CSF1R):c.764A>T (p.Asn255Ile)

Gene: CSF1R (colony stimulating factor 1 receptor; minus strand). Cytogenetic location: 5q32.
Variant type: single nucleotide variant.
Coding change: c.764A>T on transcript NM_001288705.3 (MANE Select); coding-DNA position 764, A replaced by T.
Protein change: p.Asn255Ile; replaces asparagine 255 with isoleucine.
Molecular consequence: missense variant. On other transcripts: non-coding transcript variant (2).
Genome position (GRCh38, 1-based): chr5:150,077,401, T>A on the plus strand (A>T on the coding strand, the complement: CSF1R is on the minus strand). VCF-style: chr5-150077401-T-A. GRCh37 (hg19) VCF-style: chr5-149456964-T-A.
Other names: p.Asn255Ile; c.764A>T, p.Asn255Ile (NM_001349736.2, NM_001375320.1, NM_005211.4); c.320A>T, p.Asn107Ile (NM_001375321.1); short protein forms N255I, N107I.
Identifiers: ClinVar variation 352162 (VCV000352162.37), dbSNP rs146406037, ClinGen allele CA3507069.